The following is an entry in ClinVar:

NM_024306.5(FA2H):c.820C>G (p.Pro274Ala)

Gene: FA2H (fatty acid 2-hydroxylase; minus strand). Cytogenetic location: 16q23.1.
Variant type: single nucleotide variant.
Coding change: c.820C>G on transcript NM_024306.5 (MANE Select); coding-DNA position 820, C replaced by G.
Protein change: p.Pro274Ala; replaces proline 274 with alanine.
Molecular consequence: missense variant.
Genome position (GRCh38, 1-based): chr16:74,716,566, G>C on the plus strand (C>G on the coding strand, the complement: FA2H is on the minus strand). VCF-style: chr16-74716566-G-C. GRCh37 (hg19) VCF-style: chr16-74750464-G-C.
Other names: c.820C>G (NM_024306.4); short protein forms P274A.
Identifiers: ClinVar variation 2160667 (VCV002160667.22), dbSNP rs373152103, ClinGen allele CA8170376.

ClinVar aggregate classification (germline): Uncertain significance. Review status: criteria provided, multiple submitters, no conflicts (2 of 4 stars). 3 submissions from 3 submitters: Uncertain significance (3). Last evaluated 2024-06-01.

Conditions:
Spastic paraplegia. Identifiers: MedGen C0037772, HP:0001258.
Inborn genetic diseases. Identifiers: MedGen C0950123, MeSH D030342.

Allele frequency attached by ClinVar (database versions not stated): TOPMed 0.00002; ESP Exome Variant Server 0.00008.
gnomAD v4.1: 35 of 1,596,680 alleles (0.0022%); highest among the groups gnomAD compares: East Asian, 0.023%; no homozygotes.

Submissions (3):

CeGaT Center for Human Genetics Tuebingen
Classification: Uncertain significance. Last evaluated: 2024-06-01. Review status: criteria provided, single submitter. Criteria: CeGaT Center For Human Genetics Tuebingen Variant Classification Criteria Version 2. Collection method: clinical testing. Allele origin: germline. Affected: yes. Observed: 1 variant allele.
Comment: FA2H: PM2

Labcorp Genetics (formerly Invitae), Labcorp
Classification: Uncertain significance for Spastic paraplegia. Last evaluated: 2024-05-15. Review status: criteria provided, single submitter. Criteria: Invitae Variant Classification Sherloc (09022015). Collection method: clinical testing. Allele origin: germline.
Comment: This sequence change replaces proline, which is neutral and non-polar, with alanine, which is neutral and non-polar, at codon 274 of the FA2H protein (p.Pro274Ala). This variant is present in population databases (rs373152103, gnomAD 0.05%). This variant has not been reported in the literature in individuals affected with FA2H-related conditions. ClinVar contains an entry for this variant (Variation ID: 2160667). Advanced modeling of protein sequence and biophysical properties (such as structural, functional, and spatial information, amino acid conservation, physicochemical variation, residue mobility, and thermodynamic stability) performed at Invitae indicates that this missense variant is expected to disrupt FA2H protein function with a positive predictive value of 80%. In summary, the available evidence is currently insufficient to determine the role of this variant in disease. Therefore, it has been classified as a Variant of Uncertain Significance.

Ambry Genetics
Classification: Uncertain significance for Inborn genetic diseases. Last evaluated: 2024-02-17. Review status: criteria provided, single submitter. Criteria: Ambry Variant Classification Scheme 2023. Collection method: clinical testing. Allele origin: germline.